The following is an entry in ClinVar:

NM_052947.4(ALPK2):c.5519C>T (p.Thr1840Ile)

Gene: ALPK2 (alpha kinase 2; minus strand). Cytogenetic location: 18q21.31.
Variant type: single nucleotide variant.
Coding change: c.5519C>T on transcript NM_052947.4 (MANE Select); coding-DNA position 5519, C replaced by T.
Protein change: p.Thr1840Ile; replaces threonine 1840 with isoleucine.
Molecular consequence: missense variant.
Genome position (GRCh38, 1-based): chr18:58,524,045, G>A on the plus strand (C>T on the coding strand, the complement: ALPK2 is on the minus strand). VCF-style: chr18-58524045-G-A. GRCh37 (hg19) VCF-style: chr18-56191277-G-A.
Other names: short protein forms T1840I.
Identifiers: ClinVar variation 1748059 (VCV001748059.2), dbSNP rs2051571224, ClinGen allele CA402551819.
Genomic context (GRCh38, chr18:58,524,045, plus strand): 5'-ATGCAGCAGTAATAGAGTCCCTGGTCCTTCGGACTGGCTTGCACGATGGCAAAGGAAACA[G>A]TGGAGTTGTCCCCTGCACTGCAATGAGGAATATTCACATTGACACACTTCATCATTCTAC-3'
Protein context (NP_443179.3, residues 1830-1850): QVQRSAGDNS[Thr1840Ile]VSFAIVQASP

ClinVar aggregate classification (germline): Uncertain significance (1 of 4 stars; one submission).

Allele frequency attached by ClinVar (database versions not stated): gnomAD exomes below 0.00001; TOPMed below 0.00001.
gnomAD v4.1: 1 of 1,613,738 alleles (0.000062%); highest among the groups gnomAD compares: Non-Finnish European, 0.000085%; no homozygotes.

Submission:

Ambry Genetics
Classification: Uncertain significance. Last evaluated: 2022-10-27. Review status: criteria provided, single submitter. Criteria: Ambry Variant Classification Scheme 2023. Collection method: clinical testing. Allele origin: germline.
Comment: The p.T1840I variant (also known as c.5519C>T), located in coding exon 6 of the ALPK2 gene, results from a C to T substitution at nucleotide position 5519. The threonine at codon 1840 is replaced by isoleucine, an amino acid with similar properties. This amino acid position is conserved. In addition, this alteration is predicted to be tolerated by in silico analysis. Since supporting evidence is limited at this time, the clinical significance of this alteration remains unclear.